The following is an entry in ClinVar:

ClinVar aggregate classification (germline): Uncertain significance (1 of 4 stars; one submission).

Submission:

Labcorp Genetics (formerly Invitae), Labcorp
Classification: Uncertain significance. Last evaluated: 2022-02-09. Review status: criteria provided, single submitter. Criteria: Invitae Variant Classification Sherloc (09022015). Collection method: clinical testing. Allele origin: germline.
Comment: This sequence change replaces glycine, which is neutral and non-polar, with valine, which is neutral and non-polar, at codon 272 of the RBP3 protein (p.Gly272Val). This variant is not present in population databases (gnomAD no frequency). This variant has not been reported in the literature in individuals affected with RBP3-related conditions. ClinVar contains an entry for this variant (Variation ID: 1008285). Algorithms developed to predict the effect of missense changes on protein structure and function (SIFT, PolyPhen-2, Align-GVGD) all suggest that this variant is likely to be disruptive. In summary, the available evidence is currently insufficient to determine the role of this variant in disease. Therefore, it has been classified as a Variant of Uncertain Significance.

NM_002900.3(RBP3):c.815G>T (p.Gly272Val)

Gene: RBP3 (retinol binding protein 3; plus strand). Cytogenetic location: 10q11.22.
Variant type: single nucleotide variant.
Coding change: c.815G>T on transcript NM_002900.3 (MANE Select); coding-DNA position 815, G replaced by T.
Protein change: p.Gly272Val; replaces glycine 272 with valine.
Molecular consequence: missense variant.
Genome position (GRCh38, 1-based): chr10:47,349,299, G>T. VCF-style: chr10-47349299-G-T. GRCh37 (hg19) VCF-style: chr10-48390063-C-A.
Other names: short protein forms G272V.
Identifiers: ClinVar variation 1008285 (VCV001008285.8), dbSNP rs1836909025, ClinGen allele CA376666685.